The following is an entry in ClinVar:

NM_003126.4(SPTA1):c.3190T>C (p.Tyr1064His)

Gene: SPTA1 (spectrin alpha, erythrocytic 1; minus strand). Cytogenetic location: 1q23.1.
Variant type: single nucleotide variant.
Coding change: c.3190T>C on transcript NM_003126.4 (MANE Select); coding-DNA position 3190, T replaced by C.
Protein change: p.Tyr1064His; replaces tyrosine 1064 with histidine.
Molecular consequence: missense variant.
Genome position (GRCh38, 1-based): chr1:158,652,652, A>G on the plus strand (T>C on the coding strand, the complement: SPTA1 is on the minus strand). VCF-style: chr1-158652652-A-G. GRCh37 (hg19) VCF-style: chr1-158622442-A-G.
Other names: p.Tyr1064His; short protein forms Y1064H.
Identifiers: ClinVar variation 2634118 (VCV002634118.5), dbSNP rs529892277, ClinGen allele CA1183130.

ClinVar aggregate classification (germline): Uncertain significance. Review status: criteria provided, multiple submitters, no conflicts (2 of 4 stars). 4 submissions from 4 submitters: Uncertain significance (4). Last evaluated 2025-08-28.

Conditions:
SPTA1-related disorder. Also called: SPTA1-related disorders; SPTA1-related condition.

Allele frequency attached by ClinVar (database versions not stated): gnomAD 0.00003; gnomAD exomes 0.00004; TOPMed 0.00005; 1000 Genomes Project 0.00020; ExAC 0.00014; 1000 Genomes Project 30x 0.00016.
gnomAD v4.1: 60 of 1,614,150 alleles (0.0037%); highest among the groups gnomAD compares: East Asian, 0.058%; no homozygotes.

Submissions (4):

Labcorp Genetics (formerly Invitae), Labcorp
Classification: Uncertain significance. Last evaluated: 2025-08-28. Review status: criteria provided, single submitter. Criteria: Invitae Variant Classification Sherloc (09022015). Collection method: clinical testing. Allele origin: germline.
Comment: This sequence change replaces tyrosine, which is neutral and polar, with histidine, which is basic and polar, at codon 1064 of the SPTA1 protein (p.Tyr1064His). This variant is present in population databases (rs529892277, gnomAD 0.1%). This variant has not been reported in the literature in individuals affected with SPTA1-related conditions. ClinVar contains an entry for this variant (Variation ID: 2634118). An algorithm developed to predict the effect of missense changes on protein structure and function (PolyPhen-2) suggests that this variant is likely to be disruptive. In summary, the available evidence is currently insufficient to determine the role of this variant in disease. Therefore, it has been classified as a Variant of Uncertain Significance.

Ambry Genetics
Classification: Uncertain significance. Last evaluated: 2024-03-30. Review status: criteria provided, single submitter. Criteria: Ambry Variant Classification Scheme 2023. Collection method: clinical testing. Allele origin: germline.

PreventionGenetics, part of Exact Sciences
Classification: Uncertain significance for SPTA1-related condition. Last evaluated: 2023-05-24. Review status: criteria provided, single submitter. Criteria: ACMG Guidelines, 2015. Collection method: clinical testing. Allele origin: germline.
Comment: The SPTA1 c.3190T>C variant is predicted to result in the amino acid substitution p.Tyr1064His. To our knowledge, this variant has not been reported in the literature. This variant is reported in 0.12% of alleles in individuals of East Asian descent in gnomAD. Although we suspect that this variant may be benign, at this time, the clinical significance of this variant is uncertain due to the absence of conclusive functional and genetic evidence.

Mayo Clinic Laboratories, Mayo Clinic
Classification: Uncertain significance. Last evaluated: 2022-04-18. Review status: criteria provided, single submitter. Criteria: ACMG Guidelines, 2015. Collection method: clinical testing. Allele origin: germline. Observed: 1 variant allele.